The following is an entry in ClinVar:

ClinVar aggregate classification (germline): Uncertain significance. Review status: criteria provided, multiple submitters, no conflicts (2 of 4 stars). 2 submissions from 2 submitters: Uncertain significance (2). Last evaluated 2025-12-10.

gnomAD v4.1: 3 of 1,612,878 alleles (0.00019%); highest among the groups gnomAD compares: Admixed American, 0.0033%; no homozygotes.

Submissions (2):

Ambry Genetics
Classification: Uncertain significance. Last evaluated: 2025-12-10. Review status: criteria provided, single submitter. Criteria: Ambry Variant Classification Scheme 2023. Collection method: clinical testing. Allele origin: germline.

Mayo Clinic Laboratories, Mayo Clinic
Classification: Uncertain significance. Last evaluated: 2025-04-15. Review status: criteria provided, single submitter. Criteria: ACMG Guidelines, 2015. Collection method: clinical testing. Allele origin: germline. Observed: 1 variant allele.
Comment: BP4, PM2_supporting

NM_015512.5(DNAH1):c.2279A>G (p.Asn760Ser)

Gene: DNAH1 (dynein axonemal heavy chain 1; plus strand). Cytogenetic location: 3p21.1.
Variant type: single nucleotide variant.
Coding change: c.2279A>G on transcript NM_015512.5 (MANE Select); coding-DNA position 2279, A replaced by G.
Protein change: p.Asn760Ser; replaces asparagine 760 with serine.
Molecular consequence: missense variant.
Genome position (GRCh38, 1-based): chr3:52,349,060, A>G. VCF-style: chr3-52349060-A-G. GRCh37 (hg19) VCF-style: chr3-52383076-A-G.
Other names: p.Asn760Ser; c.2279A>G (NM_015512.4); short protein forms N760S.
Identifiers: ClinVar variation 4540883 (VCV004540883.1).